The following is an entry in ClinVar:

NM_001173464.2(KIF21A):c.82T>C (p.Cys28Arg)

Gene: KIF21A (kinesin family member 21A; minus strand). Cytogenetic location: 12q12.
Variant type: single nucleotide variant.
Coding change: c.82T>C on transcript NM_001173464.2 (MANE Select); coding-DNA position 82, T replaced by C.
Protein change: p.Cys28Arg; replaces cysteine 28 with arginine.
Molecular consequence: missense variant.
Genome position (GRCh38, 1-based): chr12:39,370,224, A>G on the plus strand (T>C on the coding strand, the complement: KIF21A is on the minus strand). VCF-style: chr12-39370224-A-G. GRCh37 (hg19) VCF-style: chr12-39764026-A-G.
Other names: c.82T>C, p.Cys28Arg (NM_001173463.2, NM_001173465.2, NM_001378439.1 and 3 more transcripts); short protein forms C28R.
Identifiers: ClinVar variation 3766291 (VCV003766291.1).

ClinVar aggregate classification (germline): Uncertain significance (1 of 4 stars; one submission).

Submission:

GeneDx
Classification: Uncertain significance. Last evaluated: 2024-08-29. Review status: criteria provided, single submitter. Criteria: GeneDx Variant Classification Process June 2021. Collection method: clinical testing. Allele origin: germline. Affected: yes.
Comment: Not observed at significant frequency in large population cohorts (gnomAD); In silico analysis supports that this missense variant has a deleterious effect on protein structure/function; Has not been previously published as pathogenic or benign to our knowledge